The following is an entry in ClinVar:

ClinVar aggregate classification (germline): Likely benign. Review status: criteria provided, multiple submitters, no conflicts (2 of 4 stars). 2 submissions from 2 submitters: Likely benign (2). Last evaluated 2024-08-01.

Allele frequency attached by ClinVar (database versions not stated): TOPMed 0.00004; gnomAD 0.00005.
gnomAD v4.1: 80 of 1,501,834 alleles (0.0053%); highest among the groups gnomAD compares: Middle Eastern, 0.02%; no homozygotes.

Submissions (2):

Blueprint Genetics
Classification: Likely benign. Last evaluated: 2024-08-01. Review status: criteria provided, single submitter. Criteria: ACMG Guidelines, 2015. Collection method: clinical testing. Allele origin: germline.

CeGaT Center for Human Genetics Tuebingen
Classification: Likely benign. Last evaluated: 2022-06-01. Review status: criteria provided, single submitter. Criteria: CeGaT Center For Human Genetics Tuebingen Variant Classification Criteria Version 2. Collection method: clinical testing. Allele origin: germline. Affected: yes. Observed: 1 variant allele.
Comment: MN1: BP4, BP7

NM_002430.3(MN1):c.2175T>G (p.Ala725=)

Gene: MN1 (MN1 proto-oncogene, transcriptional regulator; minus strand). Cytogenetic location: 22q12.1.
Variant type: single nucleotide variant.
Coding change: c.2175T>G on transcript NM_002430.3 (MANE Select); coding-DNA position 2175, T replaced by G.
Protein change: p.Ala725=; no amino-acid change (alanine 725 retained).
Molecular consequence: synonymous variant.
Genome position (GRCh38, 1-based): chr22:27,798,369, A>C on the plus strand (T>G on the coding strand, the complement: MN1 is on the minus strand). VCF-style: chr22-27798369-A-C. GRCh37 (hg19) VCF-style: chr22-28194357-A-C.
Identifiers: ClinVar variation 2653020 (VCV002653020.25), dbSNP rs1007871535, ClinGen allele CA322884409.